The following is an entry in ClinVar:

ClinVar aggregate classification (germline): Uncertain significance (1 of 4 stars; one submission).

Conditions:
Ataxia-telangiectasia syndrome (AT). Also called: Ataxia-telangiectasia, complementation group D; AT, COMPLEMENTATION GROUP C; ATAXIA-TELANGIECTASIA, COMPLEMENTATION GROUP A; ATAXIA-TELANGIECTASIA, FRESNO VARIANT; Ataxia-telangiectasia, complementation group E; LOUIS-BAR SYNDROME. Identifiers: Orphanet 100, MedGen C0004135, MONDO:0008840, OMIM 208900.

Allele frequency attached by ClinVar (database versions not stated): gnomAD exomes below 0.00001; TOPMed below 0.00001.
gnomAD v4.1: 1 of 1,613,460 alleles (0.000062%); highest among the groups gnomAD compares: East Asian, 0.0022%; no homozygotes.

Submission:

Labcorp Genetics (formerly Invitae), Labcorp
Classification: Uncertain significance for Ataxia-telangiectasia syndrome. Last evaluated: 2022-10-30. Review status: criteria provided, single submitter. Criteria: Invitae Variant Classification Sherloc (09022015). Collection method: clinical testing. Allele origin: germline.
Comment: This sequence change affects codon 1934 of the ATM mRNA. It is a 'silent' change, meaning that it does not change the encoded amino acid sequence of the ATM protein. This variant is not present in population databases (gnomAD no frequency). In summary, the available evidence is currently insufficient to determine the role of this variant in disease. Therefore, it has been classified as a Variant of Uncertain Significance. Algorithms developed to predict the effect of sequence changes on RNA splicing suggest that this variant may create or strengthen a splice site. This variant has not been reported in the literature in individuals affected with ATM-related conditions.

NM_000051.4(ATM):c.5802G>A (p.Leu1934=)

Genes: ATM (ATM serine/threonine kinase; plus strand), C11orf65 (chromosome 11 open reading frame 65; minus strand). Cytogenetic location: 11q22.3.
Variant type: single nucleotide variant.
Coding change: c.5802G>A on transcript NM_000051.4 (MANE Select); coding-DNA position 5802, G replaced by A.
Protein change: p.Leu1934=; no amino-acid change (leucine 1934 retained).
Molecular consequence: synonymous variant. On other transcripts: intron variant (2).
Genome position (GRCh38, 1-based): chr11:108,310,199, G>A. VCF-style: chr11-108310199-G-A. GRCh37 (hg19) VCF-style: chr11-108180926-G-A.
Other names: c.5802G>A, p.Leu1934= (NM_001351834.2); c.641-1128C>T (NM_001330368.2); c.*39-1128C>T (NM_001351110.2).
Identifiers: ClinVar variation 2045153 (VCV002045153.4), dbSNP rs2084026789, ClinGen allele CA476675453.